The following is an entry in ClinVar:

ClinVar aggregate classification (germline): Uncertain significance. Review status: criteria provided, multiple submitters, no conflicts (2 of 4 stars). 2 submissions from 2 submitters: Uncertain significance (2). Last evaluated 2025-08-12.

Conditions:
Hereditary cancer-predisposing syndrome. Also called: Hereditary neoplastic syndrome; Neoplastic Syndromes, Hereditary; Hereditary Cancer Syndrome; Tumor predisposition. Identifiers: Orphanet 140162, MedGen C0027672, MeSH D009386, MONDO:0015356.
Familial cancer of breast. Also called: BREAST CANCER, FAMILIAL; Hereditary breast cancer; hereditary breast carcinoma. Identifiers: Orphanet 227535, MedGen C0346153, MONDO:0016419, OMIM 114480. Disease mechanism: loss of function.

Allele frequency attached by ClinVar (database versions not stated): TOPMed below 0.00001; gnomAD 0.00001.

Submissions (2):

Ambry Genetics
Classification: Uncertain significance for Hereditary cancer-predisposing syndrome. Last evaluated: 2025-08-12. Review status: criteria provided, single submitter. Criteria: Ambry Variant Classification Scheme 2023. Collection method: clinical testing. Allele origin: germline.
Comment: The p.D470G variant (also known as c.1409A>G), located in coding exon 12 of the CHEK2 gene, results from an A to G substitution at nucleotide position 1409. The aspartic acid at codon 470 is replaced by glycine, an amino acid with similar properties. This nucleotide position is highly conserved in available vertebrate species. This amino acid position is highly conserved in available vertebrate species. In silico splice site analysis for this alteration is inconclusive. RNA studies have demonstrated that this alteration results in an incomplete splice defect; the clinical impact of this abnormal splicing is unknown at this time (Ambry internal data). In addition, as a missense, this alteration is predicted to be deleterious by in silico analysis. Based on the available evidence, the clinical significance of this variant remains unclear.

Labcorp Genetics (formerly Invitae), Labcorp
Classification: Uncertain significance for Familial cancer of breast. Last evaluated: 2024-09-19. Review status: criteria provided, single submitter. Criteria: Invitae Variant Classification Sherloc (09022015). Collection method: clinical testing. Allele origin: germline.
Comment: This sequence change replaces aspartic acid, which is acidic and polar, with glycine, which is neutral and non-polar, at codon 470 of the CHEK2 protein (p.Asp470Gly). This variant is not present in population databases (gnomAD no frequency). This variant has not been reported in the literature in individuals affected with CHEK2-related conditions. ClinVar contains an entry for this variant (Variation ID: 530117). An algorithm developed to predict the effect of missense changes on protein structure and function (PolyPhen-2) suggests that this variant is likely to be disruptive. In summary, the available evidence is currently insufficient to determine the role of this variant in disease. Therefore, it has been classified as a Variant of Uncertain Significance.

NM_007194.4(CHEK2):c.1409A>G (p.Asp470Gly)

Gene: CHEK2 (checkpoint kinase 2; minus strand). Cytogenetic location: 22q12.1.
Variant type: single nucleotide variant.
Coding change: c.1409A>G on transcript NM_007194.4 (MANE Select); coding-DNA position 1409, A replaced by G.
Protein change: p.Asp470Gly; replaces aspartic acid 470 with glycine.
Molecular consequence: missense variant.
Genome position (GRCh38, 1-based): chr22:28,694,084, T>C on the plus strand (A>G on the coding strand, the complement: CHEK2 is on the minus strand). VCF-style: chr22-28694084-T-C. GRCh37 (hg19) VCF-style: chr22-29090072-T-C.
Other names: c.1538A>G, p.Asp513Gly (NM_001005735.3); c.746A>G, p.Asp249Gly (NM_001257387.3); c.1208A>G, p.Asp403Gly (NM_001349956.3); c.1322A>G, p.Asp441Gly (NM_145862.3); short protein forms D470G, D513G, D441G, D403G, D249G.
Identifiers: ClinVar variation 530117 (VCV000530117.11), dbSNP rs1483112470, ClinGen allele CA411094351.
Genomic context (GRCh38, chr22:28,694,084, plus strand): 5'-ACACCCACCTGAAGCCACGGGTGTCTTAAGGCTTCTTCTGTCGTAAAACGTGCCTTTGGA[T>C]CCACTACCAACAACTTCTTGACAAGGTCCAGAGCTAAAGCAACAATTGGGCAAATCACAG-3'
Protein context (NP_009125.1, residues 460-480): LDLVKKLLVV[Asp470Gly]PKARFTTEEA